The following is an entry in ClinVar:

ClinVar aggregate classification (germline): Uncertain significance (1 of 4 stars; one submission).

Allele frequency attached by ClinVar (database versions not stated): gnomAD exomes below 0.00001; TOPMed below 0.00001; gnomAD 0.00001.
gnomAD v4.1: 5 of 1,613,690 alleles (0.00031%); highest among the groups gnomAD compares: African/African-American, 0.0013%; no homozygotes.

Submission:

Labcorp Genetics (formerly Invitae), Labcorp
Classification: Uncertain significance. Last evaluated: 2022-04-25. Review status: criteria provided, single submitter. Criteria: Invitae Variant Classification Sherloc (09022015). Collection method: clinical testing. Allele origin: germline.
Comment: This variant is not present in population databases (gnomAD no frequency). This variant has not been reported in the literature in individuals affected with COQ8A-related conditions. Advanced modeling of protein sequence and biophysical properties (such as structural, functional, and spatial information, amino acid conservation, physicochemical variation, residue mobility, and thermodynamic stability) performed at Invitae indicates that this missense variant is not expected to disrupt COQ8A protein function. In summary, the available evidence is currently insufficient to determine the role of this variant in disease. Therefore, it has been classified as a Variant of Uncertain Significance. This sequence change replaces glutamic acid, which is acidic and polar, with lysine, which is basic and polar, at codon 457 of the COQ8A protein (p.Glu457Lys).

NM_020247.5(COQ8A):c.1369G>A (p.Glu457Lys)

Gene: COQ8A (coenzyme Q8A; plus strand). Cytogenetic location: 1q42.13.
Variant type: single nucleotide variant.
Coding change: c.1369G>A on transcript NM_020247.5 (MANE Select); coding-DNA position 1369, G replaced by A.
Protein change: p.Glu457Lys; replaces glutamic acid 457 with lysine.
Molecular consequence: missense variant.
Genome position (GRCh38, 1-based): chr1:226,984,206, G>A. VCF-style: chr1-226984206-G-A. GRCh37 (hg19) VCF-style: chr1-227171907-G-A.
Other names: short protein forms E457K.
Identifiers: ClinVar variation 1942362 (VCV001942362.5), dbSNP rs1558208533, ClinGen allele CA345055355.